The following is an entry in ClinVar:

NM_001182.5(ALDH7A1):c.491T>C (p.Ile164Thr)

Gene: ALDH7A1 (aldehyde dehydrogenase 7 family member A1; minus strand). Cytogenetic location: 5q23.2.
Variant type: single nucleotide variant.
Coding change: c.491T>C on transcript NM_001182.5 (MANE Select); coding-DNA position 491, T replaced by C.
Protein change: p.Ile164Thr; replaces isoleucine 164 with threonine.
Molecular consequence: missense variant.
Genome position (GRCh38, 1-based): chr5:126,582,877, A>G on the plus strand (T>C on the coding strand, the complement: ALDH7A1 is on the minus strand). VCF-style: chr5-126582877-A-G. GRCh37 (hg19) VCF-style: chr5-125918569-A-G.
Other names: c.407T>C, p.Ile136Thr (NM_001201377.2); c.491T>C, p.Ile164Thr (NM_001202404.2); c.491T>C (NM_001182.4); short protein forms I136T, I164T.
Identifiers: ClinVar variation 1021639 (VCV001021639.10), dbSNP rs747873042, ClinGen allele CA3389760.

ClinVar aggregate classification (germline): Uncertain significance. Review status: criteria provided, multiple submitters, no conflicts (2 of 4 stars). 3 submissions from 3 submitters: Uncertain significance (3). Last evaluated 2025-04-03.

Conditions:
Pyridoxine-dependent epilepsy (EPEO4). Also called: Pyridoxine-Dependent Seizures; Pyridoxine-Dependent Epilepsy - ALDH7A1; PYRIDOXINE DEPENDENCY WITH SEIZURES; EPILEPSY, EARLY-ONSET, 4, VITAMIN B6-DEPENDENT. Identifiers: Orphanet 3006, MedGen C1849508, MONDO:0009945, OMIM 266100. Disease mechanism: loss of function.
Inborn genetic diseases. Identifiers: MedGen C0950123, MeSH D030342.

Allele frequency attached by ClinVar (database versions not stated): ExAC 0.00002; gnomAD exomes 0.00002 and 0.00001; TOPMed below 0.00001.
gnomAD v4.1: 35 of 1,612,946 alleles (0.0022%); highest among the groups gnomAD compares: Non-Finnish European, 0.003%; no homozygotes.

Submissions (3):

Ambry Genetics
Classification: Uncertain significance for Inborn genetic diseases. Last evaluated: 2025-04-03. Review status: criteria provided, single submitter. Criteria: Ambry Variant Classification Scheme 2023. Collection method: clinical testing. Allele origin: germline.

Institute of Human Genetics, University of Leipzig Medical Center
Classification: Uncertain significance for Pyridoxine-dependent epilepsy. Last evaluated: 2024-02-13. Review status: criteria provided, single submitter. Criteria: ACMG Guidelines, 2015. Collection method: clinical testing. Allele origin: paternal. Inheritance: Autosomal recessive inheritance. Affected: yes.
Comment: Criteria applied: PM2_SUP,PP3

Labcorp Genetics (formerly Invitae), Labcorp
Classification: Uncertain significance for Pyridoxine-dependent epilepsy. Last evaluated: 2021-09-01. Review status: criteria provided, single submitter. Criteria: Invitae Variant Classification Sherloc (09022015). Collection method: clinical testing. Allele origin: germline.
Comment: This sequence change replaces isoleucine with threonine at codon 164 of the ALDH7A1 protein (p.Ile164Thr). The isoleucine residue is moderately conserved and there is a moderate physicochemical difference between isoleucine and threonine. This variant is present in population databases (rs747873042, ExAC 0.004%). This variant has not been reported in the literature in individuals affected with ALDH7A1-related conditions. Algorithms developed to predict the effect of missense changes on protein structure and function are either unavailable or do not agree on the potential impact of this missense change (SIFT: "Deleterious"; PolyPhen-2: "Benign"; Align-GVGD: "Class C0"). In summary, the available evidence is currently insufficient to determine the role of this variant in disease. Therefore, it has been classified as a Variant of Uncertain Significance.